The following is an entry in ClinVar:

NM_004817.4(TJP2):c.716G>A (p.Arg239His)

Gene: TJP2 (tight junction protein 2; plus strand). Cytogenetic location: 9q21.11.
Variant type: single nucleotide variant.
Coding change: c.716G>A on transcript NM_004817.4 (MANE Select); coding-DNA position 716, G replaced by A.
Protein change: p.Arg239His; replaces arginine 239 with histidine.
Molecular consequence: missense variant.
Genome position (GRCh38, 1-based): chr9:69,221,260, G>A. VCF-style: chr9-69221260-G-A. GRCh37 (hg19) VCF-style: chr9-71836176-G-A.
Other names: c.647G>A, p.Arg216His (NM_001170414.2, NM_001369870.1, NM_001369871.1); c.728G>A, p.Arg243His (NM_001170415.1, NM_001369874.1, NM_001369875.1); c.809G>A, p.Arg270His (NM_001170416.2); c.716G>A, p.Arg239His (NM_001369872.1, NM_001369873.1, NM_201629.3); short protein forms R216H, R239H, R243H, R270H.
Identifiers: ClinVar variation 2659240 (VCV002659240.24), dbSNP rs571310536, ClinGen allele CA193353551.

ClinVar aggregate classification (germline): Uncertain significance (1 of 4 stars; one submission).

gnomAD v4.1: 5 of 1,608,066 alleles (0.00031%); highest among the groups gnomAD compares: Middle Eastern, 0.017%; no homozygotes.

Submission:

CeGaT Center for Human Genetics Tuebingen
Classification: Uncertain significance. Last evaluated: 2023-07-01. Review status: criteria provided, single submitter. Criteria: CeGaT Center For Human Genetics Tuebingen Variant Classification Criteria Version 2. Collection method: clinical testing. Allele origin: germline. Affected: yes. Observed: 1 variant allele.
Comment: TJP2: PM2, BP4